The following is an entry in ClinVar:

ClinVar aggregate classification (germline): Uncertain significance. Review status: criteria provided, multiple submitters, no conflicts (2 of 4 stars). 3 submissions from 3 submitters: Uncertain significance (2). 1 of the submissions does not count toward it. Last evaluated 2024-11-25.

Conditions:
Hereditary cancer-predisposing syndrome. Also called: Neoplastic Syndromes, Hereditary; Tumor predisposition; Hereditary neoplastic syndrome; Hereditary Cancer Syndrome. Identifiers: Orphanet 140162, MedGen C0027672, MeSH D009386, MONDO:0015356.
Prostate cancer, hereditary, 1 (HPC1). Identifiers: Orphanet 1331, MedGen C4722327, MONDO:0011098, OMIM 601518.

Allele frequency attached by ClinVar (database versions not stated): gnomAD exomes below 0.00001.
gnomAD v4.1: 1 of 1,613,734 alleles (0.000062%); highest among the groups gnomAD compares: Non-Finnish European, 0.000085%; no homozygotes.

Submissions (3):

Ambry Genetics
Classification: Uncertain significance for Hereditary cancer-predisposing syndrome. Last evaluated: 2024-11-25. Review status: criteria provided, single submitter. Criteria: Ambry Variant Classification Scheme 2023. Collection method: clinical testing. Allele origin: germline.
Comment: The p.E232G variant (also known as c.695A>G), located in coding exon 2 of the HOXB13 gene, results from an A to G substitution at nucleotide position 695. The glutamic acid at codon 232 is replaced by glycine, an amino acid with similar properties. This amino acid position is conserved. In addition, this alteration is predicted to be deleterious by in silico analysis. Since supporting evidence is limited at this time, the clinical significance of this alteration remains unclear.

Labcorp Genetics (formerly Invitae), Labcorp
Classification: Uncertain significance. Last evaluated: 2024-08-27. Review status: criteria provided, single submitter. Criteria: Invitae Variant Classification Sherloc (09022015). Collection method: clinical testing. Allele origin: germline.
Comment: This sequence change replaces glutamic acid, which is acidic and polar, with glycine, which is neutral and non-polar, at codon 232 of the HOXB13 protein (p.Glu232Gly). This variant is not present in population databases (gnomAD no frequency). This variant has not been reported in the literature in individuals affected with HOXB13-related conditions. ClinVar contains an entry for this variant (Variation ID: 691149). Invitae Evidence Modeling of protein sequence and biophysical properties (such as structural, functional, and spatial information, amino acid conservation, physicochemical variation, residue mobility, and thermodynamic stability) indicates that this missense variant is expected to disrupt HOXB13 protein function with a positive predictive value of 80%. In summary, the available evidence is currently insufficient to determine the role of this variant in disease. Therefore, it has been classified as a Variant of Uncertain Significance.

Laboratory of Virology, Microbiology,  Quality and Medical Biotechnologies, Faculty of Sciences and Techniques - Mohammedia, Hassan II University of Casablanca
Classification: Uncertain significance for Prostate cancer, hereditary, 1. Review status: no assertion criteria provided. Collection method: clinical testing. Allele origin: somatic. Affected: yes. Not counted in ClinVar's aggregate classification.

NM_006361.6(HOXB13):c.695A>G (p.Glu232Gly)

Gene: HOXB13 (homeobox B13; minus strand). Cytogenetic location: 17q21.32.
Variant type: single nucleotide variant.
Coding change: c.695A>G on transcript NM_006361.6 (MANE Select); coding-DNA position 695, A replaced by G.
Protein change: p.Glu232Gly; replaces glutamic acid 232 with glycine.
Molecular consequence: missense variant.
Genome position (GRCh38, 1-based): chr17:48,726,950, T>C on the plus strand (A>G on the coding strand, the complement: HOXB13 is on the minus strand). VCF-style: chr17-48726950-T-C. GRCh37 (hg19) VCF-style: chr17-46804312-T-C.
Other names: short protein forms E232G.
Identifiers: ClinVar variation 691149 (VCV000691149.8), dbSNP rs1597932808, ClinGen allele CA400106560.